The following is an entry in ClinVar:

ClinVar aggregate classification (germline): Uncertain significance (1 of 4 stars; one submission).

Conditions:
Severe combined immunodeficiency due to IKK2 deficiency. Also called: Immunodeficiency 15; IMMUNODEFICIENCY 15B. Identifiers: Orphanet 397787, MedGen C4747743, MONDO:0014267, OMIM 615592.

Allele frequency attached by ClinVar (database versions not stated): gnomAD exomes below 0.00001 and 0.00001; ExAC 0.00002; TOPMed 0.00006; gnomAD 0.00007; ESP Exome Variant Server 0.00015; 1000 Genomes Project 30x 0.00016; 1000 Genomes Project 0.00020.
gnomAD v4.1: 16 of 1,614,184 alleles (0.00099%); highest among the groups gnomAD compares: African/African-American, 0.02%; no homozygotes.

Submission:

Labcorp Genetics (formerly Invitae), Labcorp
Classification: Uncertain significance for Severe combined immunodeficiency due to IKK2 deficiency. Last evaluated: 2025-12-20. Review status: criteria provided, single submitter. Criteria: Invitae Variant Classification Sherloc (09022015). Collection method: clinical testing. Allele origin: germline.
Comment: This sequence change replaces isoleucine, which is neutral and non-polar, with valine, which is neutral and non-polar, at codon 306 of the IKBKB protein (p.Ile306Val). This variant is present in population databases (rs140200494, gnomAD 0.02%). This variant has not been reported in the literature in individuals affected with IKBKB-related conditions. ClinVar contains an entry for this variant (Variation ID: 964932). Invitae Evidence Modeling of protein sequence and biophysical properties (such as structural, functional, and spatial information, amino acid conservation, physicochemical variation, residue mobility, and thermodynamic stability) indicates that this missense variant is not expected to disrupt IKBKB protein function with a negative predictive value of 95%. In summary, the available evidence is currently insufficient to determine the role of this variant in disease. Therefore, it has been classified as a Variant of Uncertain Significance.

NM_001556.3(IKBKB):c.916A>G (p.Ile306Val)

Gene: IKBKB (inhibitor of nuclear factor kappa B kinase subunit beta; plus strand). Cytogenetic location: 8p11.21.
Variant type: single nucleotide variant.
Coding change: c.916A>G on transcript NM_001556.3 (MANE Select); coding-DNA position 916, A replaced by G.
Protein change: p.Ile306Val; replaces isoleucine 306 with valine.
Molecular consequence: missense variant. On other transcripts: non-coding transcript variant (3).
Genome position (GRCh38, 1-based): chr8:42,316,325, A>G. VCF-style: chr8-42316325-A-G. GRCh37 (hg19) VCF-style: chr8-42173843-A-G.
Other names: c.724A>G, p.Ile242Val (NM_001190720.3); c.739A>G, p.Ile247Val (NM_001242778.2); short protein forms I247V, I306V, I242V.
Identifiers: ClinVar variation 964932 (VCV000964932.6), dbSNP rs140200494, ClinGen allele CA4731833.
Genomic context (GRCh38, chr8:42,316,325, plus strand): 5'-CGACAGAGGGGCACGGATCCCACGTATGGGCCCAATGGCTGCTTCAAGGCCCTGGATGAC[A>G]TCTTAAACTTAAAGGTGAGTGTGGAGCCAAGTTAGCCCTGAGGCAAAAGCTGGGGTCCCC-3'
Protein context (NP_001547.1, residues 296-316): PNGCFKALDD[Ile306Val]LNLKLVHILN